The following is an entry in ClinVar:

NM_000110.4(DPYD):c.868A>G (p.Lys290Glu)

Gene: DPYD (dihydropyrimidine dehydrogenase; minus strand). Cytogenetic location: 1p21.3.
Variant type: single nucleotide variant.
Coding change: c.868A>G on transcript NM_000110.4 (MANE Select); coding-DNA position 868, A replaced by G.
Protein change: p.Lys290Glu; replaces lysine 290 with glutamic acid.
Molecular consequence: missense variant.
Genome position (GRCh38, 1-based): chr1:97,595,149, T>C on the plus strand (A>G on the coding strand, the complement: DPYD is on the minus strand). VCF-style: chr1-97595149-T-C. GRCh37 (hg19) VCF-style: chr1-98060705-T-C.
Other names: short protein forms K290E.
Identifiers: ClinVar variation 1328879 (VCV001328879.10), dbSNP rs146356975, ClinGen allele CA963518.

ClinVar aggregate classification (germline): Uncertain significance. Review status: criteria provided, multiple submitters, no conflicts (2 of 4 stars). 5 submissions from 5 submitters: Uncertain significance (5). Last evaluated 2026-05-22.

Conditions:
Inborn genetic diseases. Identifiers: MedGen C0950123, MeSH D030342.
Dihydropyrimidine dehydrogenase deficiency (DPYDD). Also called: Hereditary Thymine-Uraciluria; DPD DEFICIENCY; DPYD DEFICIENCY. Identifiers: Orphanet 1675, MedGen C1959620, MONDO:0010130, OMIM 274270.

Allele frequency attached by ClinVar (database versions not stated): 1000 Genomes Project 0.00060; gnomAD 0.00074 and 0.00078; ESP Exome Variant Server 0.00138; gnomAD exomes 0.00006 and 0.00023; ExAC 0.00026; 1000 Genomes Project 30x 0.00078; TOPMed 0.00087.
gnomAD v4.1: 202 of 1,613,594 alleles (0.013%); highest among the groups gnomAD compares: African/African-American, 0.23%; no homozygotes.

Submissions (5):

Ambry Genetics
Classification: Uncertain significance for Inborn genetic diseases. Last evaluated: 2026-05-22. Review status: criteria provided, single submitter. Criteria: Ambry Variant Classification Scheme 2023. Collection method: clinical testing. Allele origin: germline.
Comment: The c.868A>G (p.K290E) alteration is located in exon 9 (coding exon 9) of the DPYD gene. This alteration results from an A to G substitution at nucleotide position 868, causing the lysine (K) at amino acid position 290 to be replaced by a glutamic acid (E). Based on data from gnomAD, the G allele has an overall frequency of 0.03% (85/282616) total alleles studied. The highest observed frequency was 0.305% (76/24946) of African alleles. This amino acid position is not well conserved in available vertebrate species. This alteration is predicted to be tolerated by in silico analysis. Based on insufficient or conflicting evidence, the clinical significance of this alteration remains unclear.

GeneDx
Classification: Uncertain significance. Last evaluated: 2025-07-12. Review status: criteria provided, single submitter. Criteria: GeneDx Variant Classification Process June 2021. Collection method: clinical testing. Allele origin: germline. Affected: yes.
Comment: Published functional studies demonstrate a damaging effect: 45% enzyme activity compared to wild type (PMID: 24648345); In silico analysis suggests that this missense variant does not alter protein structure/function; Has not been previously reported in individuals with a DPYD-related disorder; This variant is associated with the following publications: (PMID: 32707991, 24648345, Brufau2023[poster], 39032822, 39032821, 39614408, 40223928)

Women's Health and Genetics/Laboratory Corporation of America, LabCorp
Classification: Uncertain significance. Last evaluated: 2023-06-19. Review status: criteria provided, single submitter. Criteria: LabCorp Variant Classification Summary - May 2015. Collection method: clinical testing. Allele origin: germline.
Comment: Variant summary: DPYD c.868A>G (p.Lys290Glu) results in a conservative amino acid change located in the FAD/NAD(P)-binding domain (IPR023753) of the encoded protein sequence. Five of five in-silico tools predict a benign effect of the variant on protein function. The variant allele was found at a frequency of 0.00023 in 251224 control chromosomes (gnomAD). This frequency is not significantly higher than estimated for a pathogenic variant in DPYD causing Dihydropyrimidine Dehydrogenase Deficiency (0.00023 vs 0.0025), allowing no conclusion about variant significance. To our knowledge, no occurrence of c.868A>G in individuals affected with Dihydropyrimidine Dehydrogenase Deficiency has been reported. At least one publication reports experimental evidence evaluating an impact on protein function, finding the variant results in ~45% of normal enzyme activity in a mammalian cell system (Offer_2014). The following publication has been ascertained in the context of this evaluation (PMID: 24648345). Two submitters have cited clinical-significance assessments for this variant to ClinVar after 2014, and classified it as uncertain significance. Based on the evidence outlined above, the variant was classified as uncertain significance.

Genome-Nilou Lab
Classification: Uncertain significance for Dihydropyrimidine dehydrogenase deficiency. Last evaluated: 2023-04-11. Review status: criteria provided, single submitter. Criteria: ACMG Guidelines, 2015. Collection method: clinical testing. Allele origin: germline. Affected: no.

Fulgent Genetics
Classification: Uncertain significance for Dihydropyrimidine dehydrogenase deficiency. Last evaluated: 2021-08-10. Review status: criteria provided, single submitter. Criteria: ACMG Guidelines, 2015. Collection method: clinical testing. Allele origin: unknown.

Literature cited by the submitters: PubMed 24648345 (cited by Women's Health and Genetics/Laboratory Corporation of America, LabCorp).